The following is an entry in ClinVar:

ClinVar aggregate classification (germline): Likely benign (1 of 4 stars; one submission).

Conditions:
ABCB11-related disorder. Also called: ABCB11-related condition.

gnomAD v4.1: 22 of 1,589,138 alleles (0.0014%); highest among the groups gnomAD compares: Non-Finnish European, 0.0019%; no homozygotes.

Submission:

PreventionGenetics, part of Exact Sciences
Classification: Likely benign for ABCB11-related condition. Last evaluated: 2025-10-12. Review status: criteria provided, single submitter. Criteria: ACMG Guidelines, 2015. Collection method: clinical testing. Allele origin: germline.
Comment: This variant is classified as likely benign based on ACMG/AMP sequence variant interpretation guidelines (Richards et al. 2015 PMID: 25741868, with internal and published modifications).

NM_003742.4(ABCB11):c.1083+5C>A

Gene: ABCB11 (ATP binding cassette subfamily B member 11; minus strand). Cytogenetic location: 2q31.1.
Variant type: single nucleotide variant.
Coding change: c.1083+5C>A on transcript NM_003742.4 (MANE Select); 5 bases into the intron after coding-DNA position 1083, C replaced by A.
Molecular consequence: intron variant.
Genome position (GRCh38, 1-based): chr2:168,986,105, G>T on the plus strand (C>A on the coding strand, the complement: ABCB11 is on the minus strand). VCF-style: chr2-168986105-G-T. GRCh37 (hg19) VCF-style: chr2-169842615-G-T.
Identifiers: ClinVar variation 4978673 (VCV004978673.1).
Genomic context (GRCh38, chr2:168,986,105, plus strand): 5'-AATCCATGGACTTTTCTGAGATACCAGAAGGAAATGCTATGTCTCGGTCAATAAGTCCAA[G>T]GTACCTGGACAAGGGTTCCTGGTGTATATTCTCCTTCATCCAGGACAAGTGTGGAGCCGT-3'